The following is an entry in ClinVar:

ClinVar aggregate classification (germline): Uncertain significance. Review status: criteria provided, multiple submitters, no conflicts (2 of 4 stars). 5 submissions from 5 submitters: Uncertain significance (5). Last evaluated 2026-02-09.

Conditions:
ABCG5-related disorder. Also called: ABCG5-related condition.
Sitosterolemia 2. Identifiers: MedGen C5231453, MONDO:0020748, OMIM 618666.
Cardiovascular phenotype. Identifiers: MedGen CN230736.
Sitosterolemia (STSL). Also called: PHYTOSTEROLEMIA. Identifiers: Orphanet 2882, MedGen C0342907, MONDO:0008863.

Allele frequency attached by ClinVar (database versions not stated): TOPMed 0.00002; gnomAD 0.00006.
gnomAD v4.1: 31 of 1,610,174 alleles (0.0019%); highest among the groups gnomAD compares: African/African-American, 0.0053%; no homozygotes.

Submissions (5):

PreventionGenetics, part of Exact Sciences
Classification: Uncertain significance for ABCG5-related condition. Last evaluated: 2026-02-09. Review status: criteria provided, single submitter. Criteria: ACMG Guidelines, 2015. Collection method: clinical testing. Allele origin: germline.
Comment: The ABCG5 c.98C>G variant is predicted to result in the amino acid substitution p.Pro33Arg. To our knowledge, this variant has not been reported in the literature. This variant is reported in 0.013% of alleles in individuals of African descent in gnomAD. At this time, the clinical significance of this variant is uncertain due to the absence of conclusive functional and genetic evidence.

Revvity Omics, Revvity
Classification: Uncertain significance for Sitosterolemia 2. Last evaluated: 2024-11-01. Review status: criteria provided, single submitter. Criteria: ACMG Guidelines, 2015. Collection method: clinical testing. Allele origin: germline.

Ambry Genetics
Classification: Uncertain significance for Cardiovascular phenotype. Last evaluated: 2024-05-17. Review status: criteria provided, single submitter. Criteria: Ambry Variant Classification Scheme 2023. Collection method: clinical testing. Allele origin: germline.
Comment: The p.P33R variant (also known as c.98C>G), located in coding exon 1 of the ABCG5 gene, results from a C to G substitution at nucleotide position 98. The proline at codon 33 is replaced by arginine, an amino acid with dissimilar properties. This amino acid position is conserved. In addition, this alteration is predicted to be tolerated by in silico analysis. Since supporting evidence is limited at this time, the clinical significance of this alteration remains unclear.

Labcorp Genetics (formerly Invitae), Labcorp
Classification: Uncertain significance for Sitosterolemia. Last evaluated: 2022-06-19. Review status: criteria provided, single submitter. Criteria: Invitae Variant Classification Sherloc (09022015). Collection method: clinical testing. Allele origin: germline.
Comment: In summary, the available evidence is currently insufficient to determine the role of this variant in disease. Therefore, it has been classified as a Variant of Uncertain Significance. Algorithms developed to predict the effect of missense changes on protein structure and function (SIFT, PolyPhen-2, Align-GVGD) all suggest that this variant is likely to be tolerated. ClinVar contains an entry for this variant (Variation ID: 288360). This variant has not been reported in the literature in individuals affected with ABCG5-related conditions. This variant is present in population databases (rs778605187, gnomAD 0.01%). This sequence change replaces proline, which is neutral and non-polar, with arginine, which is basic and polar, at codon 33 of the ABCG5 protein (p.Pro33Arg).

Eurofins Ntd Llc (ga)
Classification: Uncertain significance. Last evaluated: 2016-06-19. Review status: criteria provided, single submitter. Criteria: EGL Classification Definitions 2015. Collection method: clinical testing. Allele origin: germline. Observed: 1 variant allele, 1 heterozygote.

NM_022436.3(ABCG5):c.98C>G (p.Pro33Arg)

Gene: ABCG5 (ATP binding cassette subfamily G member 5; minus strand). Cytogenetic location: 2p21.
Variant type: single nucleotide variant.
Coding change: c.98C>G on transcript NM_022436.3 (MANE Select); coding-DNA position 98, C replaced by G.
Protein change: p.Pro33Arg; replaces proline 33 with arginine.
Molecular consequence: missense variant.
Genome position (GRCh38, 1-based): chr2:43,838,582, G>C on the plus strand (C>G on the coding strand, the complement: ABCG5 is on the minus strand). VCF-style: chr2-43838582-G-C. GRCh37 (hg19) VCF-style: chr2-44065721-G-C.
Other names: short protein forms P33R.
Identifiers: ClinVar variation 288360 (VCV000288360.12), dbSNP rs778605187, ClinGen allele CA1636802.